The following is an entry in ClinVar:

ClinVar aggregate classification (germline): Uncertain significance. Review status: criteria provided, single submitter (1 of 4 stars). 2 submissions from 2 submitters: Uncertain significance (1). 1 of the submissions does not count toward it. Last evaluated 2022-09-27.

Conditions:
Deficiency of galactokinase. Also called: GALACTOSEMIA II; Galactokinase deficiency with cataracts. Identifiers: Orphanet 352, Orphanet 79237, MedGen C0268155, MONDO:0009255, OMIM 230200.

Allele frequency attached by ClinVar (database versions not stated): gnomAD exomes below 0.00001.
gnomAD v4.1: 2 of 1,607,880 alleles (0.00012%); highest among the groups gnomAD compares: East Asian, 0.0045%; no homozygotes.

Submissions (2):

Labcorp Genetics (formerly Invitae), Labcorp
Classification: Uncertain significance for Deficiency of galactokinase. Last evaluated: 2022-09-27. Review status: criteria provided, single submitter. Criteria: Invitae Variant Classification Sherloc (09022015). Collection method: clinical testing. Allele origin: germline.
Comment: This sequence change replaces methionine, which is neutral and non-polar, with valine, which is neutral and non-polar, at codon 55 of the GALK1 protein (p.Met55Val). This variant is not present in population databases (gnomAD no frequency). This variant has not been reported in the literature in individuals affected with GALK1-related conditions. ClinVar contains an entry for this variant (Variation ID: 1059246). Algorithms developed to predict the effect of missense changes on protein structure and function are either unavailable or do not agree on the potential impact of this missense change (SIFT: "Deleterious"; PolyPhen-2: "Benign"; Align-GVGD: "Class C0"). In summary, the available evidence is currently insufficient to determine the role of this variant in disease. Therefore, it has been classified as a Variant of Uncertain Significance.

Natera, Inc.
Classification: Uncertain significance for Deficiency of galactokinase. Last evaluated: 2020-11-28. Review status: no assertion criteria provided. Collection method: clinical testing. Allele origin: germline. Not counted in ClinVar's aggregate classification.

NM_000154.2(GALK1):c.163A>G (p.Met55Val)

Gene: GALK1 (galactokinase 1; minus strand). Cytogenetic location: 17q25.1.
Variant type: single nucleotide variant.
Coding change: c.163A>G on transcript NM_000154.2 (MANE Select); coding-DNA position 163, A replaced by G.
Protein change: p.Met55Val; replaces methionine 55 with valine.
Molecular consequence: missense variant.
Genome position (GRCh38, 1-based): chr17:75,764,974, T>C on the plus strand (A>G on the coding strand, the complement: GALK1 is on the minus strand). VCF-style: chr17-75764974-T-C. GRCh37 (hg19) VCF-style: chr17-73761055-T-C.
Other names: c.163A>G, p.Met55Val (NM_001381985.1); short protein forms M55V.
Identifiers: ClinVar variation 1059246 (VCV001059246.6), dbSNP rs925336919, ClinGen allele CA294089563.